The following is an entry in ClinVar:

ClinVar aggregate classification (germline): Uncertain significance (1 of 4 stars; one submission).

Conditions:
Hypertrophic cardiomyopathy 26. Also called: Cardiomyopathy, familial hypertrophic, 26. Identifiers: Orphanet 75249, MedGen C4310749, MONDO:0014883, OMIM 617047.
Distal myopathy with posterior leg and anterior hand involvement. Also called: WILLIAMS DISTAL MYOPATHY. Identifiers: Orphanet 63273, MedGen C3279722, MONDO:0013550, OMIM 614065.
Myofibrillar myopathy 5. Also called: Filaminopathy (type); FILAMINOPATHY, AUTOSOMAL DOMINANT. Identifiers: Orphanet 171445, MedGen C1836050, MONDO:0012289, OMIM 609524.

gnomAD v4.1: 1 of 1,614,172 alleles (0.000062%); highest among the groups gnomAD compares: Non-Finnish European, 0.000085%; no homozygotes.

Submission:

Labcorp Genetics (formerly Invitae), Labcorp
Classification: Uncertain significance for Distal myopathy with posterior leg and anterior hand involvement; Myofibrillar myopathy 5; Hypertrophic cardiomyopathy 26. Last evaluated: 2024-10-31. Review status: criteria provided, single submitter. Criteria: Invitae Variant Classification Sherloc (09022015). Collection method: clinical testing. Allele origin: germline.
Comment: This sequence change replaces isoleucine, which is neutral and non-polar, with methionine, which is neutral and non-polar, at codon 2110 of the FLNC protein (p.Ile2110Met). This variant is not present in population databases (gnomAD no frequency). This variant has not been reported in the literature in individuals affected with FLNC-related conditions. Invitae Evidence Modeling of protein sequence and biophysical properties (such as structural, functional, and spatial information, amino acid conservation, physicochemical variation, residue mobility, and thermodynamic stability) has been performed for this missense variant. However, the output from this modeling did not meet the statistical confidence thresholds required to predict the impact of this variant on FLNC protein function. In summary, the available evidence is currently insufficient to determine the role of this variant in disease. Therefore, it has been classified as a Variant of Uncertain Significance.

NM_001458.5(FLNC):c.6330C>G (p.Ile2110Met)

Genes: FLNC-AS1 (FLNC antisense RNA 1; minus strand), FLNC (filamin C; plus strand). Cytogenetic location: 7q32.1.
Variant type: single nucleotide variant.
Coding change: c.6330C>G on transcript NM_001458.5 (MANE Select); coding-DNA position 6330, C replaced by G.
Protein change: p.Ile2110Met; replaces isoleucine 2110 with methionine.
Molecular consequence: missense variant.
Genome position (GRCh38, 1-based): chr7:128,853,590, C>G. VCF-style: chr7-128853590-C-G. GRCh37 (hg19) VCF-style: chr7-128493644-C-G.
Other names: c.6231C>G, p.Ile2077Met (NM_001127487.2); short protein forms I2077M, I2110M.
Identifiers: ClinVar variation 3761779 (VCV003761779.2).